The following is an entry in ClinVar:

NM_020822.3(KCNT1):c.3626G>A (p.Ser1209Asn)

Gene: KCNT1 (potassium sodium-activated channel subfamily T member 1; plus strand). Cytogenetic location: 9q34.3.
Variant type: single nucleotide variant.
Coding change: c.3626G>A on transcript NM_020822.3 (MANE Select); coding-DNA position 3626, G replaced by A.
Protein change: p.Ser1209Asn; replaces serine 1209 with asparagine.
Molecular consequence: missense variant.
Genome position (GRCh38, 1-based): chr9:135,792,079, G>A. VCF-style: chr9-135792079-G-A. GRCh37 (hg19) VCF-style: chr9-138683925-G-A.
Other names: c.3554G>A, p.Ser1185Asn (NM_001272003.2); c.3626G>A (NM_020822.2); short protein forms S1185N, S1209N.
Identifiers: ClinVar variation 3760694 (VCV003760694.3).

ClinVar aggregate classification (germline): Uncertain significance. Review status: criteria provided, multiple submitters, no conflicts (2 of 4 stars). 2 submissions from 2 submitters: Uncertain significance (2). Last evaluated 2026-06-04.

Conditions:
Autosomal dominant nocturnal frontal lobe epilepsy 5. Also called: Epilepsy, nocturnal frontal lobe, 5; CILIARY DYSKINESIA, PRIMARY, 28, WITHOUT SITUS INVERSUS; CILIARY DYSKINESIA, PRIMARY, 28, WITH SITUS INVERSUS; KCNT1-Related Epilepsy. Identifiers: Orphanet 98784, MedGen C3554306, MONDO:0014002, OMIM 615005.
Developmental and epileptic encephalopathy, 14 (DEE14). Also called: Early infantile epileptic encephalopathy 14. Identifiers: Orphanet 293181, MedGen C3554195, MONDO:0013989, OMIM 614959.
Inborn genetic diseases. Identifiers: MedGen C0950123, MeSH D030342.

gnomAD v4.1: 2 of 1,604,216 alleles (0.00012%); highest among the groups gnomAD compares: African/African-American, 0.0027%; no homozygotes.

Submissions (2):

Ambry Genetics
Classification: Uncertain significance for Inborn genetic diseases. Last evaluated: 2026-06-04. Review status: criteria provided, single submitter. Criteria: Ambry Variant Classification Scheme 2023. Collection method: clinical testing. Allele origin: germline.
Comment: The c.3626G>A (p.S1209N) alteration is located in exon 31 (coding exon 31) of the KCNT1 gene. This alteration results from a G to A substitution at nucleotide position 3626, causing the serine (S) at amino acid position 1209 to be replaced by an asparagine (N). Based on data from gnomAD, the A allele has an overall frequency of 0.003% (1/31370) total alleles studied. The highest observed frequency was 0.012% (1/8702) of African alleles. Based on insufficient or conflicting evidence, the clinical significance of this alteration remains unclear.

Labcorp Genetics (formerly Invitae), Labcorp
Classification: Uncertain significance for Autosomal dominant nocturnal frontal lobe epilepsy 5; Developmental and epileptic encephalopathy, 14. Last evaluated: 2024-05-09. Review status: criteria provided, single submitter. Criteria: Invitae Variant Classification Sherloc (09022015). Collection method: clinical testing. Allele origin: germline.
Comment: This sequence change replaces serine, which is neutral and polar, with asparagine, which is neutral and polar, at codon 1209 of the KCNT1 protein (p.Ser1209Asn). This variant is present in population databases (no rsID available, gnomAD 0.01%). This variant has not been reported in the literature in individuals affected with KCNT1-related conditions. Advanced modeling of protein sequence and biophysical properties (such as structural, functional, and spatial information, amino acid conservation, physicochemical variation, residue mobility, and thermodynamic stability) performed at Invitae indicates that this missense variant is not expected to disrupt KCNT1 protein function with a negative predictive value of 80%. In summary, the available evidence is currently insufficient to determine the role of this variant in disease. Therefore, it has been classified as a Variant of Uncertain Significance.